The following is an entry in ClinVar:

NM_007194.4(CHEK2):c.247C>T (p.Gln83Ter)

Gene: CHEK2 (checkpoint kinase 2; minus strand). Cytogenetic location: 22q12.1.
Variant type: single nucleotide variant.
Coding change: c.247C>T on transcript NM_007194.4 (MANE Select); coding-DNA position 247, C replaced by T.
Protein change: p.Gln83Ter; replaces glutamine 83 with a stop codon.
Molecular consequence: nonsense.
Genome position (GRCh38, 1-based): chr22:28,734,475, G>A on the plus strand (C>T on the coding strand, the complement: CHEK2 is on the minus strand). VCF-style: chr22-28734475-G-A. GRCh37 (hg19) VCF-style: chr22-29130463-G-A.
Other names: c.247C>T, p.Gln83Ter (NM_001005735.3, NM_001349956.3, NM_145862.3); c.-531C>T (NM_001257387.3); short protein forms Q83*.
Identifiers: ClinVar variation 460818 (VCV000460818.14), dbSNP rs1555932326, ClinGen allele CA411090590.

ClinVar aggregate classification (germline): Pathogenic. Review status: criteria provided, multiple submitters, no conflicts (2 of 4 stars). 3 submissions from 3 submitters: Pathogenic (3). Last evaluated 2025-04-08.

Conditions:
Hereditary cancer-predisposing syndrome. Also called: Neoplastic Syndromes, Hereditary; Tumor predisposition; Hereditary Cancer Syndrome; Hereditary neoplastic syndrome. Identifiers: Orphanet 140162, MedGen C0027672, MeSH D009386, MONDO:0015356.
Familial cancer of breast. Also called: BREAST CANCER, FAMILIAL; hereditary breast carcinoma; Hereditary breast cancer. Identifiers: Orphanet 227535, MedGen C0346153, MONDO:0016419, OMIM 114480. Disease mechanism: loss of function.

Submissions (3):

Labcorp Genetics (formerly Invitae), Labcorp
Classification: Pathogenic for Familial cancer of breast. Last evaluated: 2025-04-08. Review status: criteria provided, single submitter. Criteria: Invitae Variant Classification Sherloc (09022015). Collection method: clinical testing. Allele origin: germline.
Comment: This sequence change creates a premature translational stop signal (p.Gln83*) in the CHEK2 gene. It is expected to result in an absent or disrupted protein product. Loss-of-function variants in CHEK2 are known to be pathogenic (PMID: 21876083, 24713400). This variant is not present in population databases (gnomAD no frequency). This variant has not been reported in the literature in individuals affected with CHEK2-related conditions. ClinVar contains an entry for this variant (Variation ID: 460818). For these reasons, this variant has been classified as Pathogenic.

Ambry Genetics
Classification: Pathogenic for Hereditary cancer-predisposing syndrome. Last evaluated: 2024-06-12. Review status: criteria provided, single submitter. Criteria: Ambry Variant Classification Scheme 2023. Collection method: clinical testing. Allele origin: germline.
Comment: The p.Q83* pathogenic mutation (also known as c.247C>T), located in coding exon 1 of the CHEK2 gene, results from a C to T substitution at nucleotide position 247. This changes the amino acid from a glutamine to a stop codon within coding exon 1. This alteration is expected to result in loss of function by premature protein truncation or nonsense-mediated mRNA decay. As such, this alteration is interpreted as a disease-causing mutation.

Myriad Genetics, Inc.
Classification: Pathogenic for Familial cancer of breast. Last evaluated: 2023-06-23. Review status: criteria provided, single submitter. Criteria: Myriad Autosomal Dominant, Autosomal Recessive and X-Linked Classification Criteria (2023). Collection method: clinical testing. Allele origin: unknown.
Comment: This variant is considered pathogenic. This variant creates a termination codon and is predicted to result in premature protein truncation.

Literature cited by the submitters: PubMed 21876083 (cited by Labcorp Genetics (formerly Invitae), Labcorp); PubMed 24713400 (cited by Labcorp Genetics (formerly Invitae), Labcorp).